The following is an entry in ClinVar:

NM_006180.6(NTRK2):c.548A>C (p.Asn183Thr)

Gene: NTRK2 (neurotrophic receptor tyrosine kinase 2; plus strand). Cytogenetic location: 9q21.33.
Variant type: single nucleotide variant.
Coding change: c.548A>C on transcript NM_006180.6 (MANE Select); coding-DNA position 548, A replaced by C.
Protein change: p.Asn183Thr; replaces asparagine 183 with threonine.
Molecular consequence: missense variant.
Genome position (GRCh38, 1-based): chr9:84,710,756, A>C. VCF-style: chr9-84710756-A-C. GRCh37 (hg19) VCF-style: chr9-87325671-A-C.
Other names: c.80A>C, p.Asn27Thr (NM_001369536.1, NM_001369550.1, NM_001369551.1 and 2 more transcripts); c.548A>C, p.Asn183Thr (NM_001369537.1, NM_001369538.1, NM_001369539.1 and 18 more transcripts); short protein forms N27T, N183T.
Identifiers: ClinVar variation 3696685 (VCV003696685.2).

ClinVar aggregate classification (germline): Uncertain significance (1 of 4 stars; one submission).

gnomAD v4.1: 2 of 1,614,192 alleles (0.00012%); highest among the groups gnomAD compares: Admixed American, 0.0017%; no homozygotes.

Submission:

Labcorp Genetics (formerly Invitae), Labcorp
Classification: Uncertain significance. Last evaluated: 2024-04-16. Review status: criteria provided, single submitter. Criteria: Invitae Variant Classification Sherloc (09022015). Collection method: clinical testing. Allele origin: germline.
Comment: This sequence change replaces asparagine, which is neutral and polar, with threonine, which is neutral and polar, at codon 183 of the NTRK2 protein (p.Asn183Thr). This variant is not present in population databases (gnomAD no frequency). This variant has not been reported in the literature in individuals affected with NTRK2-related conditions. Advanced modeling of protein sequence and biophysical properties (such as structural, functional, and spatial information, amino acid conservation, physicochemical variation, residue mobility, and thermodynamic stability) performed at Invitae indicates that this missense variant is expected to disrupt NTRK2 protein function with a positive predictive value of 95%. In summary, the available evidence is currently insufficient to determine the role of this variant in disease. Therefore, it has been classified as a Variant of Uncertain Significance.